The following is an entry in ClinVar:

ClinVar aggregate classification (germline): Uncertain significance (1 of 4 stars; one submission).

Submission:

Labcorp Genetics (formerly Invitae), Labcorp
Classification: Uncertain significance. Last evaluated: 2021-04-14. Review status: criteria provided, single submitter. Criteria: Invitae Variant Classification Sherloc (09022015). Collection method: clinical testing. Allele origin: germline.
Comment: In summary, the available evidence is currently insufficient to determine the role of this variant in disease. Therefore, it has been classified as a Variant of Uncertain Significance. Algorithms developed to predict the effect of missense changes on protein structure and function are either unavailable or do not agree on the potential impact of this missense change (SIFT: "Deleterious"; PolyPhen-2: "Probably Damaging"; Align-GVGD: "Class C0"). This variant has not been reported in the literature in individuals with ALPK3-related conditions. This variant is not present in population databases (ExAC no frequency). This sequence change replaces glutamic acid with valine at codon 347 of the ALPK3 protein (p.Glu347Val). The glutamic acid residue is moderately conserved and there is a moderate physicochemical difference between glutamic acid and valine.

NM_020778.5(ALPK3):c.434A>T (p.Glu145Val)

Gene: ALPK3 (alpha kinase 3; plus strand). Cytogenetic location: 15q25.3.
Variant type: single nucleotide variant.
Coding change: c.434A>T on transcript NM_020778.5 (MANE Select); coding-DNA position 434, A replaced by T.
Protein change: p.Glu145Val; replaces glutamic acid 145 with valine.
Molecular consequence: missense variant.
Genome position (GRCh38, 1-based): chr15:84,839,713, A>T. VCF-style: chr15-84839713-A-T. GRCh37 (hg19) VCF-style: chr15-85382944-A-T.
Other names: short protein forms E145V.
Identifiers: ClinVar variation 1497795 (VCV001497795.8), dbSNP rs2141556144, ClinGen allele CA393372463.
Genomic context (GRCh38, chr15:84,839,713, plus strand): 5'-TCTCACCTCCCAGGAGGGGAGAGGTGGCACCTCCCGCTCCTACCTCTAGGTGTCGAGAAG[A>T]AGATGCCGCCATCTACCAGGCCTCTGCCCAGAACAGCAAGGGCATTGTGTCCTGCTCAGG-3'
Protein context (NP_065829.4, residues 135-155): HTLQLYRCRE[Glu145Val]DAAIYQASAQ